The following is an entry in ClinVar:

NM_006302.3(MOGS):c.1124C>T (p.Thr375Ile)

Gene: MOGS (mannosyl-oligosaccharide glucosidase; minus strand). Cytogenetic location: 2p13.1.
Variant type: single nucleotide variant.
Coding change: c.1124C>T on transcript NM_006302.3 (MANE Select); coding-DNA position 1124, C replaced by T.
Protein change: p.Thr375Ile; replaces threonine 375 with isoleucine.
Molecular consequence: missense variant.
Genome position (GRCh38, 1-based): chr2:74,462,665, G>A on the plus strand (C>T on the coding strand, the complement: MOGS is on the minus strand). VCF-style: chr2-74462665-G-A. GRCh37 (hg19) VCF-style: chr2-74689792-G-A.
Other names: c.1124C>T, p.Thr375Ile (LRG_1226t1); c.806C>T, p.Thr269Ile (NM_001146158.2); short protein forms T375I, T269I.
Identifiers: ClinVar variation 534243 (VCV000534243.9), dbSNP rs200888878, ClinGen allele CA1724847.

ClinVar aggregate classification (germline): Uncertain significance. Review status: criteria provided, multiple submitters, no conflicts (2 of 4 stars). 2 submissions from 2 submitters: Uncertain significance (2). Last evaluated 2024-01-31.

Conditions:
MOGS-congenital disorder of glycosylation. Also called: CDG IIb; GLUCOSIDASE I DEFICIENCY; CDG 2B; MOGS-CDG. Identifiers: Orphanet 79330, MedGen C1853736, MONDO:0011629, OMIM 606056.

Allele frequency attached by ClinVar (database versions not stated): ExAC 0.00007; ESP Exome Variant Server 0.00008; gnomAD exomes 0.00026; TOPMed 0.00061; gnomAD 0.00068; 1000 Genomes Project 30x 0.00094; 1000 Genomes Project 0.00100.

Submissions (2):

Labcorp Genetics (formerly Invitae), Labcorp
Classification: Uncertain significance for MOGS-congenital disorder of glycosylation. Last evaluated: 2024-01-31. Review status: criteria provided, single submitter. Criteria: Invitae Variant Classification Sherloc (09022015). Collection method: clinical testing. Allele origin: germline.
Comment: This sequence change replaces threonine, which is neutral and polar, with isoleucine, which is neutral and non-polar, at codon 375 of the MOGS protein (p.Thr375Ile). This variant is present in population databases (rs200888878, gnomAD 0.2%). This variant has not been reported in the literature in individuals affected with MOGS-related conditions. ClinVar contains an entry for this variant (Variation ID: 534243). Advanced modeling of protein sequence and biophysical properties (such as structural, functional, and spatial information, amino acid conservation, physicochemical variation, residue mobility, and thermodynamic stability) performed at Invitae indicates that this missense variant is not expected to disrupt MOGS protein function with a negative predictive value of 80%. In summary, the available evidence is currently insufficient to determine the role of this variant in disease. Therefore, it has been classified as a Variant of Uncertain Significance.

Center for Genomics, Ann and Robert H. Lurie Children's Hospital of Chicago
Classification: Uncertain significance for MOGS-congenital disorder of glycosylation. Last evaluated: 2021-03-30. Review status: criteria provided, single submitter. Criteria: ACMG Guidelines, 2015. Collection method: clinical testing. Allele origin: germline.
Comment: MOGS NM_006302.2 exon 4 p.Thr375Ile (c.1124C>T): This variant has not been reported in the literature but is present in 0.1% (53/33582) of Latino alleles in the Genome Aggregation Database. This variant amino acid Isoleucine (Ile) is present in >5 species; this suggests that this variant may not impact the protein. Additional computational prediction tools do not suggest an impact. In summary, data on this variant is insufficient for disease classification. Therefore, the clinical significance of this variant is uncertain.